The following is an entry in ClinVar:

ClinVar aggregate classification (germline): Uncertain significance (1 of 4 stars; one submission).

gnomAD v4.1: 5 of 1,613,068 alleles (0.00031%); highest among the groups gnomAD compares: Non-Finnish European, 0.00034%; no homozygotes.

Submission:

Labcorp Genetics (formerly Invitae), Labcorp
Classification: Uncertain significance. Last evaluated: 2026-02-01. Review status: criteria provided, single submitter. Criteria: Invitae Variant Classification Sherloc (09022015). Collection method: clinical testing. Allele origin: germline.
Comment: This sequence change replaces proline, which is neutral and non-polar, with threonine, which is neutral and polar, at codon 49 of the NKX2-1 protein (p.Pro49Thr). This variant is present in population databases (rs776752141, gnomAD 0.0009%). This variant has not been reported in the literature in individuals affected with NKX2-1-related conditions. An algorithm developed to predict the effect of missense changes on protein structure and function (PolyPhen-2) suggests that this variant is likely to be disruptive. In summary, the available evidence is currently insufficient to determine the role of this variant in disease. Therefore, it has been classified as a Variant of Uncertain Significance.

NM_001079668.3(NKX2-1):c.145C>A (p.Pro49Thr)

Genes: NKX2-1 (NK2 homeobox 1; minus strand), NKX2-1-AS1 (NKX2-1 antisense RNA 1; plus strand), SFTA3 (surfactant associated 3; minus strand). Cytogenetic location: 14q13.3.
Variant type: single nucleotide variant.
Coding change: c.145C>A on transcript NM_001079668.3 (MANE Select); coding-DNA position 145, C replaced by A.
Protein change: p.Pro49Thr; replaces proline 49 with threonine.
Molecular consequence: missense variant. On other transcripts: non-coding transcript variant (1).
Genome position (GRCh38, 1-based): chr14:36,519,303, G>T on the plus strand (C>A on the coding strand, the complement: NKX2-1 is on the minus strand). VCF-style: chr14-36519303-G-T. GRCh37 (hg19) VCF-style: chr14-36988508-G-T.
Other names: c.55C>A, p.Pro19Thr (NM_003317.4); short protein forms P19T, P49T.
Identifiers: ClinVar variation 4767956 (VCV004767956.1).